The following is an entry in ClinVar:

NM_020699.4(GATAD2B):c.107G>A (p.Gly36Glu)

Gene: GATAD2B (GATA zinc finger domain containing 2B; minus strand). Cytogenetic location: 1q21.3.
Variant type: single nucleotide variant.
Coding change: c.107G>A on transcript NM_020699.4 (MANE Select); coding-DNA position 107, G replaced by A.
Protein change: p.Gly36Glu; replaces glycine 36 with glutamic acid.
Molecular consequence: missense variant.
Genome position (GRCh38, 1-based): chr1:153,828,241, C>T on the plus strand (G>A on the coding strand, the complement: GATAD2B is on the minus strand). VCF-style: chr1-153828241-C-T. GRCh37 (hg19) VCF-style: chr1-153800717-C-T.
Other names: short protein forms G36E.
Identifiers: ClinVar variation 3010416 (VCV003010416.3), dbSNP rs1674951135, ClinGen allele CA342541520.
Genomic context (GRCh38, chr1:153,828,241, plus strand): 5'-TTTGCCAAATCCTTCCTTTTGAGCAATGCCAACATTTTCAGACGTTCCATGGCCTCATGC[C>T]CCTCCATTTTGAGTCGCTTTGCCAGGACATCATCTCGCTCATCTGCTGGGTCCAAGCTCC-3'
Protein context (NP_065750.1, residues 26-46): DVLAKRLKME[Gly36Glu]HEAMERLKML

ClinVar aggregate classification (germline): Uncertain significance (1 of 4 stars; one submission).

Allele frequency attached by ClinVar (database versions not stated): TOPMed below 0.00001; gnomAD exomes 0.00001.
gnomAD v4.1: 3 of 1,614,120 alleles (0.00019%); highest among the groups gnomAD compares: East Asian, 0.0022%; no homozygotes.

Submission:

Labcorp Genetics (formerly Invitae), Labcorp
Classification: Uncertain significance. Last evaluated: 2025-05-12. Review status: criteria provided, single submitter. Criteria: Invitae Variant Classification Sherloc (09022015). Collection method: clinical testing. Allele origin: germline.
Comment: This sequence change replaces glycine, which is neutral and non-polar, with glutamic acid, which is acidic and polar, at codon 36 of the GATAD2B protein (p.Gly36Glu). This variant is not present in population databases (gnomAD no frequency). This variant has not been reported in the literature in individuals affected with GATAD2B-related conditions. ClinVar contains an entry for this variant (Variation ID: 3010416). Invitae Evidence Modeling of protein sequence and biophysical properties (such as structural, functional, and spatial information, amino acid conservation, physicochemical variation, residue mobility, and thermodynamic stability) indicates that this missense variant is not expected to disrupt GATAD2B protein function with a negative predictive value of 80%. In summary, the available evidence is currently insufficient to determine the role of this variant in disease. Therefore, it has been classified as a Variant of Uncertain Significance.